The following is an entry in ClinVar:

NM_000834.5(GRIN2B):c.2389C>T (p.Leu797Phe)

Gene: GRIN2B (glutamate ionotropic receptor NMDA type subunit 2B; minus strand). Cytogenetic location: 12p13.1.
Variant type: single nucleotide variant.
Coding change: c.2389C>T on transcript NM_000834.5 (MANE Select); coding-DNA position 2389, C replaced by T.
Protein change: p.Leu797Phe; replaces leucine 797 with phenylalanine.
Molecular consequence: missense variant.
Genome position (GRCh38, 1-based): chr12:13,567,234, G>A on the plus strand (C>T on the coding strand, the complement: GRIN2B is on the minus strand). VCF-style: chr12-13567234-G-A. GRCh37 (hg19) VCF-style: chr12-13720168-G-A.
Other names: c.2389C>T, p.Leu797Phe (NM_001413992.1); short protein forms L797F.
Identifiers: ClinVar variation 3901880 (VCV003901880.1).

ClinVar aggregate classification (germline): Likely pathogenic (1 of 4 stars; one submission).

Conditions:
Developmental and epileptic encephalopathy, 27 (DEE27). Also called: GRIN2B-Related Neurodevelopmental Disorder; Epileptic encephalopathy, early infantile, 27. Identifiers: Orphanet 3451, MedGen C4015316, MONDO:0014505, OMIM 616139.

Submission:

Rare Disease Center, Seoul National University Hospital
Classification: Likely pathogenic for Developmental and epileptic encephalopathy, 27. Last evaluated: 2025-03-23. Review status: criteria provided, single submitter. Criteria: ACMG Guidelines, 2015. Collection method: provider interpretation. Allele origin: de novo. Affected: yes. Observed: 1 variant allele.
Comment: In addition, this variant is not present in population databases (gnomAD). Note: This variant was found in clinical genetic testing performed by one or more labs who may also submit to ClinVar. Therefore, any internal case data may overlap with the internal case data of other submitters. The classification and rationale are that of the Rare Disease Center, Seoul National University Hospital